The following is an entry in ClinVar:

NM_021098.3(CACNA1H):c.3632C>T (p.Pro1211Leu)

Gene: CACNA1H (calcium voltage-gated channel subunit alpha1 H; plus strand). Cytogenetic location: 16p13.3.
Variant type: single nucleotide variant.
Coding change: c.3632C>T on transcript NM_021098.3 (MANE Select); coding-DNA position 3632, C replaced by T.
Protein change: p.Pro1211Leu; replaces proline 1211 with leucine.
Molecular consequence: missense variant.
Genome position (GRCh38, 1-based): chr16:1,209,300, C>T. VCF-style: chr16-1209300-C-T. GRCh37 (hg19) VCF-style: chr16-1259300-C-T.
Other names: c.3632C>T, p.Pro1211Leu (NM_001005407.2); short protein forms P1211L.
Identifiers: ClinVar variation 3359648 (VCV003359648.1).

ClinVar aggregate classification (germline): Uncertain significance (1 of 4 stars; one submission).

gnomAD v4.1: 1 of 1,593,360 alleles (0.000063%); highest among the groups gnomAD compares: East Asian, 0.0023%; no homozygotes.

Submission:

GeneDx
Classification: Uncertain significance. Last evaluated: 2023-06-11. Review status: criteria provided, single submitter. Criteria: GeneDx Variant Classification Process June 2021. Collection method: clinical testing. Allele origin: germline. Affected: yes.
Comment: Not observed at significant frequency in large population cohorts (gnomAD); In silico analysis supports that this missense variant has a deleterious effect on protein structure/function; Has not been previously published as pathogenic or benign to our knowledge